The following is an entry in ClinVar:

NM_015047.3(EMC1):c.184G>A (p.Val62Met)

Gene: EMC1 (ER membrane protein complex subunit 1; minus strand). Cytogenetic location: 1p36.13.
Variant type: single nucleotide variant.
Coding change: c.184G>A on transcript NM_015047.3 (MANE Select); coding-DNA position 184, G replaced by A.
Protein change: p.Val62Met; replaces valine 62 with methionine.
Molecular consequence: missense variant.
Genome position (GRCh38, 1-based): chr1:19,244,942, C>T on the plus strand (G>A on the coding strand, the complement: EMC1 is on the minus strand). VCF-style: chr1-19244942-C-T. GRCh37 (hg19) VCF-style: chr1-19571436-C-T.
Other names: c.184G>A, p.Val62Met (NM_001271427.2, NM_001271428.2, NM_001271429.2 and 2 more transcripts); short protein forms V62M.
Identifiers: ClinVar variation 1964851 (VCV001964851.5), dbSNP rs746960149, ClinGen allele CA653029.

ClinVar aggregate classification (germline): Uncertain significance (1 of 4 stars; one submission).

Allele frequency attached by ClinVar (database versions not stated): gnomAD exomes 0.00001; TOPMed below 0.00001; ExAC 0.00001; gnomAD 0.00001.
gnomAD v4.1: 4 of 1,613,816 alleles (0.00025%); highest among the groups gnomAD compares: South Asian, 0.0011%; no homozygotes.

Submission:

Labcorp Genetics (formerly Invitae), Labcorp
Classification: Uncertain significance. Last evaluated: 2026-01-12. Review status: criteria provided, single submitter. Criteria: Invitae Variant Classification Sherloc (09022015). Collection method: clinical testing. Allele origin: germline.
Comment: This sequence change replaces valine, which is neutral and non-polar, with methionine, which is neutral and non-polar, at codon 62 of the EMC1 protein (p.Val62Met). This variant is present in population databases (rs746960149, gnomAD 0.002%). This variant has not been reported in the literature in individuals affected with EMC1-related conditions. ClinVar contains an entry for this variant (Variation ID: 1964851). Invitae Evidence Modeling of protein sequence and biophysical properties (such as structural, functional, and spatial information, amino acid conservation, physicochemical variation, residue mobility, and thermodynamic stability) indicates that this missense variant is expected to disrupt EMC1 protein function with a positive predictive value of 80%. In summary, the available evidence is currently insufficient to determine the role of this variant in disease. Therefore, it has been classified as a Variant of Uncertain Significance.